The following is an entry in ClinVar:

NM_000016.6(ACADM):c.193dup (p.Ala65fs)

Gene: ACADM (acyl-CoA dehydrogenase medium chain; plus strand). Cytogenetic location: 1p31.1.
Variant type: Duplication.
Coding change: c.193dup on transcript NM_000016.6 (MANE Select); coding-DNA position 193, one base duplicated (G; older notation c.193dupG).
Protein change: p.Ala65fs; shifts the reading frame from alanine 65.
Molecular consequence: frameshift variant. On other transcripts: 5 prime UTR variant (1).
Genome position (GRCh38, 1-based): chr1:75,732,718, G duplicated. VCF-style (leftmost placement, unchanged base first): chr1-75732717-T-TG. GRCh37 (hg19) VCF-style: chr1-76198402-T-TG.
Other names: c.205dup, p.Ala69fs (NM_001127328.3); c.85dup, p.Ala29fs (NM_001286042.2); c.193dup, p.Ala65fs (NM_001286043.2); c.-193dup (NM_001286044.2); short protein forms A29fs, A65fs, A69fs.
Identifiers: ClinVar variation 1725987 (VCV001725987.2), dbSNP rs2525572504, ClinGen allele CA2580063238.

ClinVar aggregate classification (germline): Likely pathogenic (1 of 4 stars; one submission).

Conditions:
Medium-chain acyl-coenzyme A dehydrogenase deficiency (ACADMD). Also called: MCADD; CARNITINE DEFICIENCY SECONDARY TO MEDIUM-CHAIN ACYL-CoA DEHYDROGENASE DEFICIENCY; MCAD Deficiency; MCADH DEFICIENCY; Medium chain acyl-CoA dehydrogenase deficiency; ACADM DEFICIENCY. Identifiers: Orphanet 42, MedGen C0220710, MONDO:0008721, OMIM 201450.

Submission:

Myriad Genetics, Inc.
Classification: Likely pathogenic for Medium-chain acyl-coenzyme A dehydrogenase deficiency. Last evaluated: 2022-04-29. Review status: criteria provided, single submitter. Criteria: Myriad Women's Health Autosomal Recessive and X-Linked Classification Criteria (2021). Collection method: clinical testing. Allele origin: unknown.
Comment: NM_000016.4(ACADM):c.193dupG(A65Gfs*4) is expected to be pathogenic in the context of medium chain acyl-CoA dehydrogenase deficiency. This variant is predicted to lead to an abnormal or absent protein product due to the creation of a premature termination codon in ACADM, a gene where loss-of-function variants are known to be pathogenic. Please note: this variant was assessed in the context of healthy population screening.